The following is an entry in ClinVar:

NM_001368809.2(AMPD2):c.809G>A (p.Arg270His)

Gene: AMPD2 (adenosine monophosphate deaminase 2; plus strand). Cytogenetic location: 1p13.3.
Variant type: single nucleotide variant.
Coding change: c.809G>A on transcript NM_001368809.2 (MANE Select); coding-DNA position 809, G replaced by A.
Protein change: p.Arg270His; replaces arginine 270 with histidine.
Molecular consequence: missense variant.
Genome position (GRCh38, 1-based): chr1:109,627,265, G>A. VCF-style: chr1-109627265-G-A. GRCh37 (hg19) VCF-style: chr1-110169887-G-A.
Other names: c.617G>A, p.Arg206His (NM_001257361.2); c.746G>A, p.Arg249His (NM_001308170.1); c.809G>A, p.Arg270His (NM_004037.9); c.728G>A, p.Arg243His (NM_139156.4); c.971G>A (NM_004037.6); short protein forms R206H, R249H, R270H, R243H.
Identifiers: ClinVar variation 1510265 (VCV001510265.8), dbSNP rs749468757, ClinGen allele CA992916.
Genomic context (GRCh38, chr1:109,627,265, plus strand): 5'-AGCACCCGTATGAGCACTGTGAGCCAAGCACCATGCCTGGGGACCTGGGCTTGGGTCTGC[G>A]CATGGTGCGGGGTGTGGTGCACGTCTACACCCGCAGGGAACCCGACGAGCAGTAAGAGGG-3'
Protein context (NP_001355738.1, residues 260-280): TMPGDLGLGL[Arg270His]MVRGVVHVYT

ClinVar aggregate classification (germline): Uncertain significance. Review status: criteria provided, multiple submitters, no conflicts (2 of 4 stars). 2 submissions from 2 submitters: Uncertain significance (2). Last evaluated 2025-03-03.

Conditions:
Hereditary spastic paraplegia 63. Also called: Spastic paraplegia 63, autosomal recessive. Identifiers: Orphanet 401805, MedGen C3810295, MONDO:0014305, OMIM 615686.
Pontocerebellar hypoplasia type 9. Identifiers: Orphanet 369920, MedGen C4014354, MONDO:0014351, OMIM 615809.
Inborn genetic diseases. Identifiers: MedGen C0950123, MeSH D030342.

gnomAD v4.1: 30 of 1,609,960 alleles (0.0019%); highest among the groups gnomAD compares: South Asian, 0.0044%; no homozygotes.

Submissions (2):

Ambry Genetics
Classification: Uncertain significance for Inborn genetic diseases. Last evaluated: 2025-03-03. Review status: criteria provided, single submitter. Criteria: Ambry Variant Classification Scheme 2023. Collection method: clinical testing. Allele origin: germline.

Labcorp Genetics (formerly Invitae), Labcorp
Classification: Uncertain significance for Pontocerebellar hypoplasia type 9; Hereditary spastic paraplegia 63. Last evaluated: 2021-01-08. Review status: criteria provided, single submitter. Criteria: Invitae Variant Classification Sherloc (09022015). Collection method: clinical testing. Allele origin: germline.
Comment: This sequence change replaces arginine with histidine at codon 324 of the AMPD2 protein (p.Arg324His). The arginine residue is weakly conserved and there is a small physicochemical difference between arginine and histidine. This variant is present in population databases (rs749468757, ExAC 0.007%). This variant has not been reported in the literature in individuals with AMPD2-related conditions. Algorithms developed to predict the effect of missense changes on protein structure and function (SIFT, PolyPhen-2, Align-GVGD) all suggest that this variant is likely to be tolerated, but these predictions have not been confirmed by published functional studies and their clinical significance is uncertain. In summary, the available evidence is currently insufficient to determine the role of this variant in disease. Therefore, it has been classified as a Variant of Uncertain Significance.